The following is an entry in ClinVar:

ClinVar aggregate classification (germline): Benign. Review status: criteria provided, multiple submitters, no conflicts (2 of 4 stars). 4 submissions from 4 submitters: Benign (3). 1 of the submissions does not count toward it. Last evaluated 2023-05-30.

Conditions:
PCNA-related disorder. Also called: PCNA-related condition.

Allele frequency attached by ClinVar (database versions not stated): TOPMed 0.00137; ESP Exome Variant Server 0.00185; gnomAD exomes 0.00291; ExAC 0.00312; 1000 Genomes Project 30x 0.00422; 1000 Genomes Project 0.00459.
gnomAD v4.1: 4,475 of 1,613,998 alleles (0.28%); highest among the groups gnomAD compares: South Asian, 1.3%; 30 homozygotes.

Submissions (4):

Mayo Clinic Laboratories, Mayo Clinic
Classification: Benign. Last evaluated: 2023-05-30. Review status: criteria provided, single submitter. Criteria: ACMG Guidelines, 2015. Collection method: clinical testing. Allele origin: germline. Observed: 6 variant alleles.
Comment: BS1, BS2, BP4, BP7

Labcorp Genetics (formerly Invitae), Labcorp
Classification: Benign. Last evaluated: 2019-12-31. Review status: criteria provided, single submitter. Criteria: Invitae Variant Classification Sherloc (09022015). Collection method: clinical testing. Allele origin: germline.

Breakthrough Genomics
Classification: Benign. Review status: criteria provided, single submitter. Criteria: ACMG Guidelines, 2015. Collection method: not provided. Allele origin: germline. Inheritance: Autosomal recessive inheritance. Affected: yes.

PreventionGenetics, part of Exact Sciences
Classification: Benign for PCNA-related condition. Last evaluated: 2019-09-10. Review status: no assertion criteria provided. Collection method: clinical testing. Allele origin: germline. Not counted in ClinVar's aggregate classification.
Comment: This variant is classified as benign based on ACMG/AMP sequence variant interpretation guidelines (Richards et al. 2015 PMID: 25741868, with internal and published modifications).

NM_182649.2(PCNA):c.702C>G (p.Pro234=)

Gene: PCNA (proliferating cell nuclear antigen; minus strand). Cytogenetic location: 20p12.3.
Variant type: single nucleotide variant.
Coding change: c.702C>G on transcript NM_182649.2 (MANE Select); coding-DNA position 702, C replaced by G.
Protein change: p.Pro234=; no amino-acid change (proline 234 retained).
Molecular consequence: synonymous variant.
Genome position (GRCh38, 1-based): chr20:5,115,453, G>C on the plus strand (C>G on the coding strand, the complement: PCNA is on the minus strand). VCF-style: chr20-5115453-G-C. GRCh37 (hg19) VCF-style: chr20-5096099-G-C.
Other names: p.Pro234=; c.702C>G, p.Pro234= (NM_002592.2).
Identifiers: ClinVar variation 786675 (VCV000786675.8), dbSNP rs17353, ClinGen allele CA9753566.